The following is an entry in ClinVar:

ClinVar aggregate classification (germline): Likely benign. Review status: criteria provided, multiple submitters, no conflicts (2 of 4 stars). 3 submissions from 3 submitters: Likely benign (3). Last evaluated 2023-12-13.

Conditions:
Arrhythmogenic cardiomyopathy with wooly hair and keratoderma. Also called: Carvajal syndrome; Dilated cardiomyopathy with woolly hair and keratoderma; Arrhythmogenic cardiomyopathy with woolly hair and keratoderma; PALMOPLANTAR KERATODERMA WITH LEFT VENTRICULAR CARDIOMYOPATHY AND WOOLLY HAIR. Identifiers: Orphanet 65282, MedGen C1854063, MONDO:0011581, OMIM 605676.
Arrhythmogenic right ventricular dysplasia 8 (ARVD8). Also called: Arrhythmogenic Right Ventricular Dysplasia/Cardiomyopathy 8; ARRHYTHMOGENIC RIGHT VENTRICULAR DYSPLASIA, FAMILIAL, 8; ARRHYTHMOGENIC RIGHT VENTRICULAR CARDIOMYOPATHY 8. Identifiers: MedGen C1843896, MONDO:0011831, OMIM 607450.
Cardiomyopathy (CMYO). Also called: Cardiomyopathies. Identifiers: Orphanet 167848, MedGen C0878544, MONDO:0004994, HP:0001638. Inheritance: Various modes of inheritance.

Allele frequency attached by ClinVar (database versions not stated): gnomAD 0.00002.
gnomAD v4.1: 6 of 1,613,908 alleles (0.00037%); highest among the groups gnomAD compares: Non-Finnish European, 0.00042%; no homozygotes.

Submissions (3):

All of Us Research Program, National Institutes of Health
Classification: Likely benign for Arrhythmogenic cardiomyopathy with wooly hair and keratoderma. Last evaluated: 2023-12-13. Review status: criteria provided, single submitter. Criteria: ACMG Guidelines, 2015. Collection method: clinical testing. Allele origin: germline. Inheritance: Autosomal dominant inheritance. Observed: 2 variant alleles, 2 heterozygotes.
Comment: This study involves interpretation of variants in research participants for the purpose of population health screening. Participant phenotype was not available at the time of variant classification. Additional details can be found in publication PMID: 35346344, PMCID: PMC8962531

Labcorp Genetics (formerly Invitae), Labcorp
Classification: Likely benign for Arrhythmogenic cardiomyopathy with wooly hair and keratoderma; Arrhythmogenic right ventricular dysplasia 8. Last evaluated: 2022-09-03. Review status: criteria provided, single submitter. Criteria: Invitae Variant Classification Sherloc (09022015). Collection method: clinical testing. Allele origin: germline.

Color Diagnostics, LLC DBA Color Health
Classification: Likely benign for Cardiomyopathy. Last evaluated: 2021-03-16. Review status: criteria provided, single submitter. Criteria: ACMG Guidelines, 2015. Collection method: clinical testing. Allele origin: germline.

NM_004415.4(DSP):c.6516T>C (p.Phe2172=)

Gene: DSP (desmoplakin; plus strand). Cytogenetic location: 6p24.3.
Variant type: single nucleotide variant.
Coding change: c.6516T>C on transcript NM_004415.4 (MANE Select); coding-DNA position 6516, T replaced by C.
Protein change: p.Phe2172=; no amino-acid change (phenylalanine 2172 retained).
Molecular consequence: synonymous variant.
Genome position (GRCh38, 1-based): chr6:7,583,778, T>C. VCF-style: chr6-7583778-T-C. GRCh37 (hg19) VCF-style: chr6-7584011-T-C.
Other names: c.4719T>C, p.Phe1573= (NM_001008844.3); c.5187T>C, p.Phe1729= (NM_001319034.2).
Identifiers: ClinVar variation 1332576 (VCV001332576.8), dbSNP rs1266595950, ClinGen allele CA448715820.